The following is an entry in ClinVar:

NM_004960.4(FUS):c.1528A>G (p.Lys510Glu)

Gene: FUS (FUS RNA binding protein; plus strand). Cytogenetic location: 16p11.2.
Variant type: single nucleotide variant.
Coding change: c.1528A>G on transcript NM_004960.4 (MANE Select); coding-DNA position 1528, A replaced by G.
Protein change: p.Lys510Glu; replaces lysine 510 with glutamic acid.
Molecular consequence: missense variant. On other transcripts: non-coding transcript variant (1).
Genome position (GRCh38, 1-based): chr16:31,191,097, A>G. VCF-style: chr16-31191097-A-G. GRCh37 (hg19) VCF-style: chr16-31202418-A-G.
Other names: p.Lys510Glu; c.1525A>G, p.Lys509Glu (NM_001170634.1); c.1516A>G, p.Lys506Glu (NM_001170937.1); short protein forms K510E, K509E, K506E.
Identifiers: ClinVar variation 2925591 (VCV002925591.4), dbSNP rs1555509605, ClinGen allele CA395676061.

ClinVar aggregate classification (germline): Pathogenic/Likely pathogenic. Review status: criteria provided, multiple submitters, no conflicts (2 of 4 stars). 2 submissions from 2 submitters: Pathogenic (1); Likely pathogenic (1). Last evaluated 2024-08-15.

Conditions:
Amyotrophic lateral sclerosis type 6. Also called: FUS-Related Amyotrophic Laterial Sclerosis; AMYOTROPHIC LATERAL SCLEROSIS 6 WITHOUT FRONTOTEMPORAL DEMENTIA; Amyotrophic lateral sclerosis 6, with or without frontotemporal dementia. Identifiers: Orphanet 275872, Orphanet 803, MedGen C2931786, MONDO:0011951, OMIM 608030.
Tremor, hereditary essential, 4 (ETM4). Identifiers: MedGen C3539195, MONDO:0013888, OMIM 614782.

Submissions (2):

Labcorp Genetics (formerly Invitae), Labcorp
Classification: Pathogenic for Tremor, hereditary essential, 4; Amyotrophic lateral sclerosis type 6. Last evaluated: 2024-08-15. Review status: criteria provided, single submitter. Criteria: Invitae Variant Classification Sherloc (09022015). Collection method: clinical testing. Allele origin: germline.
Comment: This sequence change replaces lysine, which is basic and polar, with glutamic acid, which is acidic and polar, at codon 510 of the FUS protein (p.Lys510Glu). This variant is not present in population databases (gnomAD no frequency). This missense change has been observed in individuals with amyotrophic lateral sclerosis (PMID: 20224596, 21128870, 26452761; Invitae). This variant is also known as c.1528G>A. An algorithm developed to predict the effect of missense changes on protein structure and function (PolyPhen-2) suggests that this variant is likely to be disruptive. Experimental studies have shown that this missense change affects FUS function (PMID: 23056579). This variant disrupts the p.Lys510 amino acid residue in FUS. Other variant(s) that disrupt this residue have been determined to be pathogenic (PMID: 31866807). This suggests that this residue is clinically significant, and that variants that disrupt this residue are likely to be disease-causing. For these reasons, this variant has been classified as Pathogenic.

Mayo Clinic Laboratories, Mayo Clinic
Classification: Likely pathogenic. Last evaluated: 2024-08-13. Review status: criteria provided, single submitter. Criteria: ACMG Guidelines, 2015. Collection method: clinical testing. Allele origin: germline. Observed: 1 variant allele.
Comment: PP3, PM1, PM2, PM5, PS4_moderate

Literature cited by the submitters: PubMed 20224596 (cited by Labcorp Genetics (formerly Invitae), Labcorp and Mayo Clinic Laboratories, Mayo Clinic); PubMed 21128870 (cited by Labcorp Genetics (formerly Invitae), Labcorp and Mayo Clinic Laboratories, Mayo Clinic); PubMed 26452761 (cited by Labcorp Genetics (formerly Invitae), Labcorp and Mayo Clinic Laboratories, Mayo Clinic); PubMed 23056579 (cited by Labcorp Genetics (formerly Invitae), Labcorp and Mayo Clinic Laboratories, Mayo Clinic); PubMed 31866807 (cited by Labcorp Genetics (formerly Invitae), Labcorp and Mayo Clinic Laboratories, Mayo Clinic); PubMed 20660363 (cited by Mayo Clinic Laboratories, Mayo Clinic).